The following is an entry in ClinVar:

ClinVar aggregate classification (germline): Uncertain significance (1 of 4 stars; one submission).

Allele frequency attached by ClinVar (database versions not stated): gnomAD exomes 0.00001; ExAC 0.00004.

Submission:

Labcorp Genetics (formerly Invitae), Labcorp
Classification: Uncertain significance. Last evaluated: 2024-02-17. Review status: criteria provided, single submitter. Criteria: Invitae Variant Classification Sherloc (09022015). Collection method: clinical testing. Allele origin: germline.
Comment: This sequence change replaces alanine, which is neutral and non-polar, with threonine, which is neutral and polar, at codon 470 of the FLAD1 protein (p.Ala470Thr). This variant is present in population databases (rs775463868, gnomAD 0.004%). This variant has not been reported in the literature in individuals affected with FLAD1-related conditions. ClinVar contains an entry for this variant (Variation ID: 1927805). An algorithm developed to predict the effect of missense changes on protein structure and function (PolyPhen-2) suggests that this variant is likely to be disruptive. In summary, the available evidence is currently insufficient to determine the role of this variant in disease. Therefore, it has been classified as a Variant of Uncertain Significance.

NM_025207.5(FLAD1):c.1408G>A (p.Ala470Thr)

Gene: FLAD1 (flavin adenine dinucleotide synthetase 1; plus strand). Cytogenetic location: 1q21.3.
Variant type: single nucleotide variant.
Coding change: c.1408G>A on transcript NM_025207.5 (MANE Select); coding-DNA position 1408, G replaced by A.
Protein change: p.Ala470Thr; replaces alanine 470 with threonine.
Molecular consequence: missense variant.
Genome position (GRCh38, 1-based): chr1:154,990,382, G>A. VCF-style: chr1-154990382-G-A. GRCh37 (hg19) VCF-style: chr1-154962858-G-A.
Other names: c.1117G>A, p.Ala373Thr (NM_001184891.2, NM_201398.3); short protein forms A373T, A470T.
Identifiers: ClinVar variation 1927805 (VCV001927805.4), dbSNP rs775463868, ClinGen allele CA1134562.
Genomic context (GRCh38, chr1:154,990,382, plus strand): 5'-TTCTGTTTCTTCCTAAGGTATAATCTGCAGATGTTGGAAGCTGAGGGCAGCATGAAGCAG[G>A]CCCTGGGTGAACTGCAGGCACGGCACCCCCAGCTGGAGGCTGTCCTTATGGGCACCCGCC-3'
Protein context (NP_079483.3, residues 460-480): MLEAEGSMKQ[Ala470Thr]LGELQARHPQ